The following is an entry in ClinVar:

NM_005431.2(XRCC2):c.39+202C>T

Gene: XRCC2 (X-ray repair cross complementing 2; minus strand). Cytogenetic location: 7q36.1.
Variant type: single nucleotide variant.
Coding change: c.39+202C>T on transcript NM_005431.2 (MANE Select); 202 bases into the intron after coding-DNA position 39, C replaced by T.
Molecular consequence: intron variant.
Genome position (GRCh38, 1-based): chr7:152,675,839, G>A on the plus strand (C>T on the coding strand, the complement: XRCC2 is on the minus strand). VCF-style: chr7-152675839-G-A. GRCh37 (hg19) VCF-style: chr7-152372924-G-A.
Identifiers: ClinVar variation 679699 (VCV000679699.1), dbSNP rs2106776, ClinGen allele CA12576267.
Genomic context (GRCh38, chr7:152,675,839, plus strand): 5'-GTCTTCCAAAGAAAGACTTCCTCCACCTCCGCCCGGTCCTCCCACCTCGGAGGACTCCAG[G>A]CTGCCCAGGGGCGGACCCCTGGGGCCCAGGTGAGAGGTGGCAGAGGGTGCCAGCATCGCG-3'

ClinVar aggregate classification (germline): Benign (1 of 4 stars; one submission).

Allele frequency attached by ClinVar (database versions not stated): 1000 Genomes Project 0.44489; 1000 Genomes Project 30x 0.44503; TOPMed 0.46322; gnomAD 0.46434 and 0.46605.
gnomAD v4.1: 70,149 of 151,836 alleles (46%); highest among the groups gnomAD compares: African/African-American, 59%; 16,976 homozygotes.

Submission:

GeneDx
Classification: Benign. Last evaluated: 2018-06-15. Review status: criteria provided, single submitter. Criteria: GeneDx Variant Classification (06012015). Collection method: clinical testing. Allele origin: germline. Affected: yes.
Comment: This variant is considered likely benign or benign based on one or more of the following criteria: it is a conservative change, it occurs at a poorly conserved position in the protein, it is predicted to be benign by multiple in silico algorithms, and/or has population frequency not consistent with disease.